The following is an entry in ClinVar:

ClinVar aggregate classification (germline): Conflicting classifications of pathogenicity. Review status: criteria provided, conflicting classifications (1 of 4 stars). 2 submissions from 2 submitters: Uncertain significance (1); Likely benign (1). Last evaluated 2024-10-01.

Allele frequency attached by ClinVar (database versions not stated): ExAC 0.00045; 1000 Genomes Project 30x 0.00094; gnomAD exomes 0.00180.

Submissions (2):

CeGaT Center for Human Genetics Tuebingen
Classification: Likely benign. Last evaluated: 2024-10-01. Review status: criteria provided, single submitter. Criteria: CeGaT Center For Human Genetics Tuebingen Variant Classification Criteria Version 2. Collection method: clinical testing. Allele origin: germline. Affected: yes. Observed: 1 variant allele.
Comment: TPSB2: BP4, BP7

Ambry Genetics
Classification: Uncertain significance. Last evaluated: 2021-08-06. Review status: criteria provided, single submitter. Criteria: Ambry Variant Classification Scheme 2023. Collection method: clinical testing. Allele origin: germline.

NM_024164.6(TPSB2):c.261G>C (p.Arg87Ser)

Gene: TPSB2 (tryptase beta 2; minus strand). Cytogenetic location: 16p13.3.
Variant type: single nucleotide variant.
Coding change: c.261G>C on transcript NM_024164.6 (MANE Select); coding-DNA position 261, G replaced by C.
Protein change: p.Arg87Ser; replaces arginine 87 with serine.
Molecular consequence: missense variant.
Genome position (GRCh38, 1-based): chr16:1,229,429, C>G on the plus strand (G>C on the coding strand, the complement: TPSB2 is on the minus strand). VCF-style: chr16-1229429-C-G. GRCh37 (hg19) VCF-style: chr16-1279430-C-G.
Other names: short protein forms R87S.
Identifiers: ClinVar variation 2338143 (VCV002338143.16), dbSNP rs769403251, ClinGen allele CA7803362.